The following is an entry in ClinVar:

NM_005045.4(RELN):c.397G>A (p.Val133Met)

Gene: RELN (reelin; minus strand). Cytogenetic location: 7q22.1.
Variant type: single nucleotide variant.
Coding change: c.397G>A on transcript NM_005045.4 (MANE Select); coding-DNA position 397, G replaced by A.
Protein change: p.Val133Met; replaces valine 133 with methionine.
Molecular consequence: missense variant.
Genome position (GRCh38, 1-based): chr7:103,833,613, C>T on the plus strand (G>A on the coding strand, the complement: RELN is on the minus strand). VCF-style: chr7-103833613-C-T. GRCh37 (hg19) VCF-style: chr7-103474060-C-T.
Other names: c.397G>A, p.Val133Met (NM_173054.3); short protein forms V133M.
Identifiers: ClinVar variation 1050104 (VCV001050104.6), dbSNP rs200611900, ClinGen allele CA4422597.

ClinVar aggregate classification (germline): Likely benign. Review status: criteria provided, single submitter (1 of 4 stars). 2 submissions from 2 submitters: Likely benign (1). 1 of the submissions does not count toward it. Last evaluated 2025-05-05.

Conditions:
Norman-Roberts syndrome (LIS2). Also called: Lissencephaly 2 (Norman-Roberts type). Identifiers: Orphanet 89844, MedGen C0796089, MONDO:0009760, OMIM 257320.
Familial temporal lobe epilepsy 7. Identifiers: Orphanet 101046, MedGen C4225327, MONDO:0014639, OMIM 616436.

Allele frequency attached by ClinVar (database versions not stated): gnomAD 0.00001 and 0.00002; ExAC 0.00002; gnomAD exomes 0.00002; 1000 Genomes Project 30x 0.00016; 1000 Genomes Project 0.00020.
gnomAD v4.1: 20 of 1,613,646 alleles (0.0012%); highest among the groups gnomAD compares: East Asian, 0.0045%; no homozygotes.

Submissions (2):

Labcorp Genetics (formerly Invitae), Labcorp
Classification: Likely benign for Familial temporal lobe epilepsy 7; Norman-Roberts syndrome. Last evaluated: 2025-05-05. Review status: criteria provided, single submitter. Criteria: Invitae Variant Classification Sherloc (09022015). Collection method: clinical testing. Allele origin: germline.

Department of Pathology and Laboratory Medicine, Sinai Health System
Classification: Uncertain significance. Review status: no assertion criteria provided. Collection method: clinical testing. Allele origin: unknown. Affected: yes. Study: The Canadian Open Genetics Repository (COGR). Not counted in ClinVar's aggregate classification.
Comment: The RELN p.Val133Met variant was not identified in the literature nor was it identified in ClinVar, Cosmic or LOVD 3.0. The variant was identified in dbSNP (ID: rs200611900) and in control databases in 6 of 282608 chromosomes at a frequency of 0.000021 (Genome Aggregation Database Feb 27, 2017). The variant was observed in the following populations: Ashkenazi Jewish in 1 of 10360 chromosomes (freq: 0.000097), East Asian in 1 of 19920 chromosomes (freq: 0.00005), South Asian in 1 of 30606 chromosomes (freq: 0.000033) and European (non-Finnish) in 3 of 129018 chromosomes (freq: 0.000023), while the variant was not observed in the African, Latino, European (Finnish), and Other populations. The p.Val133 residue is conserved in mammals and computational analyses (PolyPhen-2, SIFT, AlignGVGD, BLOSUM, MutationTaster) provide inconsistent predictions regarding the impact to the protein; this information is not very predictive of pathogenicity. The variant occurs outside of the splicing consensus sequence and 4 of 4 in silico or computational prediction software programs (SpliceSiteFinder, MaxEntScan, NNSPLICE, GeneSplicer) predict a greater than 10% difference in splicing. However, this information is not predictive enough to assume pathogenicity. In summary, based on the above information the clinical significance of this variant cannot be determined with certainty at this time. This variant is classified as a variant of uncertain significance.